The following is an entry in ClinVar:

ClinVar aggregate classification (germline): Uncertain significance. Review status: criteria provided, multiple submitters, no conflicts (2 of 4 stars). 10 submissions from 10 submitters: Uncertain significance (10). Last evaluated 2026-07-08.

Conditions:
Alzheimer disease 4 (AD4). Identifiers: Orphanet 1020, MedGen C1847200, MONDO:0011743, OMIM 606889.
Alzheimer disease 3 (AD3). Also called: ALZHEIMER DISEASE, FAMILIAL, 3. Identifiers: Orphanet 1020, MedGen C1843013, MONDO:0011913, OMIM 607822.
Alzheimer disease 2 (AD2). Also called: ALZHEIMER DISEASE 2, LATE-ONSET; ALZHEIMER DISEASE ASSOCIATED WITH APOE4. Identifiers: Orphanet 1020, MedGen C1863051, MONDO:0007089, OMIM 104310.
Sea-blue histiocyte syndrome. Also called: Sea-blue histiocytosis; SEA-BLUE HISTIOCYTE DISEASE. Identifiers: Orphanet 158029, MedGen C0036489, MONDO:0010017, OMIM 269600, HP:0001982.
Age related macular degeneration 1 (ARMD1). Also called: MACULOPATHY, AGE-RELATED, 1. Identifiers: MedGen C1864205, MONDO:0011285, OMIM 603075.
Lipoprotein glomerulopathy (LPG). Identifiers: Orphanet 329481, MedGen C2673196, MONDO:0012725, OMIM 611771.
Familial type 3 hyperlipoproteinemia. Also called: Hyperlipoproteinemia type 3; Hyperlipoproteinemia type III; Dysbetalipoproteinemia; Familial dysbetalipoproteinemia; Broad beta disease; Remnant removal disease. Identifiers: Orphanet 412, MedGen C0020479, MONDO:0018473, OMIM 617347.
APOE-related disorder. Also called: APOE-related condition.
Cardiovascular phenotype. Identifiers: MedGen CN230736.
Familial hypercholesterolemia. Also called: Familial hypercholesterolemias; Familial hypercholesterolaemia. Identifiers: MedGen C0020445, MONDO:0005439.

Allele frequency attached by ClinVar (database versions not stated): gnomAD 0.00032 and 0.00031; TOPMed 0.00036.
gnomAD v4.1: 1,036 of 1,587,584 alleles (0.065%); highest among the groups gnomAD compares: Non-Finnish European, 0.08%; no homozygotes.

Submissions (10):

Cambridge Genomics Laboratory, East Genomic Laboratory Hub, NHS Genomic Medicine Service
Classification: Uncertain significance for Familial hypercholesterolaemia. Last evaluated: 2026-07-08. Review status: criteria provided, single submitter. Criteria: ACGS Best Practice Guidelines for Variant Classification in Rare Disease 2020. Collection method: clinical testing. Allele origin: germline. Affected: yes.
Comment: PM1,PM2_Supporting

PreventionGenetics, part of Exact Sciences
Classification: Uncertain significance for APOE-related condition. Last evaluated: 2026-05-28. Review status: criteria provided, single submitter. Criteria: ACMG Guidelines, 2015. Collection method: clinical testing. Allele origin: germline.
Comment: The APOE c.805C>G variant is predicted to result in the amino acid substitution p.Arg269Gly. This variant, also reported as p.Arg251Gly using legacy nomenclature, has been reported in individuals with varying hyperlipidemias (van den Maagdenberg et al. 1993. PubMed ID: 8488843; Richard et al. 1997. PubMed ID: 9279208; Dong et al. 2022. PubMed ID: 35460704; Abou Khalil et al. 2022. PubMed ID: 35628605). This variant has also been reported in an individual with early-onset Alzheimer disease (Pagnon de la Vega et al. 2022. PubMed ID: 35120450). However, a large case-control study of Alzheimer disease patients and cognitively normal controls suggest this variant results in a decreased risk for Alzheimer disease through a possible protective effect and seems to be always co-inherited with the well-established risk allele, APOE e4 (Le Guen et al. 2022. PubMed ID: 35639372). However, more studies are needed to support this possible effect. This variant is reported in 0.063% of alleles in individuals of Latino descent in gnomAD and has been consistently interpreted as uncertain in the ClinVar database. At this time, the clinical significance of this variant is uncertain due to the absence of conclusive functional and genetic evidence.

Blueprint Genetics
Classification: Uncertain significance. Last evaluated: 2024-11-18. Review status: criteria provided, single submitter. Criteria: ACMG Guidelines, 2015. Collection method: clinical testing. Allele origin: germline.

GeneDx
Classification: Uncertain significance. Last evaluated: 2024-05-07. Review status: criteria provided, single submitter. Criteria: GeneDx Variant Classification Process June 2021. Collection method: clinical testing. Allele origin: germline. Affected: yes.
Comment: Identified in several unrelated individuals with hyperlipidemia in published literature (PMID: 8488843, 8156744, 9279208, 9360638, 22949395, 35628605); Identified in both symptomatic and asymptomatic relatives of probands with hypertriglyceridemia, which authors attribute to reduced penetrance and other genetic factors influencing disease expression (PMID: 8488843, 8156744, 9279208, 9360638); In silico analysis supports that this missense variant has a deleterious effect on protein structure/function; Also known as p.(R251G); This variant is associated with the following publications: (PMID: 9360638, 9279208, 22949395, 1648586, 35120450, 34058468, 8488843, 35628605, 8156744)

Mayo Clinic Laboratories, Mayo Clinic
Classification: Uncertain significance. Last evaluated: 2024-03-29. Review status: criteria provided, single submitter. Criteria: ACMG Guidelines, 2015. Collection method: clinical testing. Allele origin: germline. Observed: 1 variant allele.
Comment: PS4_moderate

Ambry Genetics
Classification: Uncertain significance for Cardiovascular phenotype. Last evaluated: 2023-09-05. Review status: criteria provided, single submitter. Criteria: Ambry Variant Classification Scheme 2023. Collection method: clinical testing. Allele origin: germline.
Comment: The p.R269G variant (also known as c.805C>G), located in coding exon 3 of the APOE gene, results from a C to G substitution at nucleotide position 805. The arginine at codon 269 is replaced by glycine, an amino acid with dissimilar properties. This variant (also referred to as R251G or Arg251Gly) has been detected in individuals with hyperlipidemia or hypertriglyceridemia; however, in some studies gene analysis was limited, and this variant has also been detected in normolipidemic individuals (van den Maagdenberg AM et al. Am J Hum Genet, 1993 May;52:937-46; Kang AK et al. Mutat Res, 1997 Sep;382:57-65; Richard P et al. Clin Sci (Lond), 1997 Jul;93:89-95; Marduel M et al. Hum Mutat, 2013 Jan;34:83-7; Abou Khalil Y et al. Int J Mol Sci, 2022 May;23). This amino acid position is not well conserved in available vertebrate species. In addition, the in silico prediction for this alteration is inconclusive. Since supporting evidence is limited at this time, the clinical significance of this alteration remains unclear.

Department of Pathology and Laboratory Medicine, Sinai Health System
Classification: Uncertain significance for Alzheimer disease 2. Last evaluated: 2023-08-22. Review status: criteria provided, single submitter. Criteria: ACMG Guidelines, 2015. Collection method: research. Allele origin: germline.

CeGaT Center for Human Genetics Tuebingen
Classification: Uncertain significance. Last evaluated: 2023-06-01. Review status: criteria provided, single submitter. Criteria: CeGaT Center For Human Genetics Tuebingen Variant Classification Criteria Version 2. Collection method: clinical testing. Allele origin: germline. Affected: yes. Observed: 1 variant allele.
Comment: APOE: PP4, BP4

New York Genome Center
Classification: Uncertain significance for Familial type 3 hyperlipoproteinemia. Last evaluated: 2022-08-28. Review status: criteria provided, single submitter. Criteria: NYGC Assertion Criteria 2020. Collection method: clinical testing. Allele origin: germline. Observed: 1 heterozygote.
Comment: The c.805C>G variant in APOE has previously been reported in individuals with hyperlipoproteinemia [PMID: 9279208, 35628605] and it has been deposited in ClinVar [ClinVar ID: 478884] as variant of uncertain significance. The c.805C>G variant is observed in 186 alleles (~0.034% minor allele frequency with 0 homozygote)in population databases (gnomAD v2.1.1 and v3.1.2, TOPMed Freeze 8), suggesting it is not a common benign variant in the populations represented in those databases, which might include individuals with chronic conditions. The c.805C>G variant in APOE is located in exon 4 of this 4-exon gene, and is predicted to replace a moderately conserved arginine amino acid with glycine at position 269 (p.(Arg269Gly)) in the lipid-binding and lipoprotein association domain [UniProtKB:P02649] of the encoded protein. In silico predictions are not strongly in favor of damaging effect for the p.(Arg269Gly) variant [CADD v1.6 = 23.3, REVEL =0.581]; however, there are no functional studies to support or refute these predictions. Based on available evidence this c.805C>G p.(Arg269Gly) variant identified in APOE is classified as a Variant of Uncertain Significance.

Fulgent Genetics
Classification: Uncertain significance for Alzheimer disease 2; Sea-blue histiocyte syndrome; Age related macular degeneration 1; Alzheimer disease 4; Alzheimer disease 3; Lipoprotein glomerulopathy; Familial type 3 hyperlipoproteinemia. Last evaluated: 2022-04-23. Review status: criteria provided, single submitter. Criteria: ACMG Guidelines, 2015. Collection method: clinical testing. Allele origin: unknown.

Literature cited by the submitters: PubMed 22949395 (cited by Mayo Clinic Laboratories, Mayo Clinic and Ambry Genetics); PubMed 24126160 (cited by Mayo Clinic Laboratories, Mayo Clinic and Ambry Genetics); PubMed 35460704 (cited by Mayo Clinic Laboratories, Mayo Clinic); PubMed 35628605 (cited by Mayo Clinic Laboratories, Mayo Clinic and Ambry Genetics); PubMed 37128917 (cited by Mayo Clinic Laboratories, Mayo Clinic); PubMed 8488843 (cited by Mayo Clinic Laboratories, Mayo Clinic and Ambry Genetics); PubMed 9279208 (cited by Mayo Clinic Laboratories, Mayo Clinic and Ambry Genetics); PubMed 9360638 (cited by Mayo Clinic Laboratories, Mayo Clinic and Ambry Genetics); PubMed 32808727 (cited by Ambry Genetics); PubMed 35120450 (cited by Ambry Genetics); PubMed 35639372 (cited by Ambry Genetics).

NM_000041.4(APOE):c.805C>G (p.Arg269Gly)

Gene: APOE (apolipoprotein E; plus strand). Cytogenetic location: 19q13.32.
Variant type: single nucleotide variant.
Coding change: c.805C>G on transcript NM_000041.4 (MANE Select); coding-DNA position 805, C replaced by G.
Protein change: p.Arg269Gly; replaces arginine 269 with glycine.
Molecular consequence: missense variant.
Genome position (GRCh38, 1-based): chr19:44,909,101, C>G. VCF-style: chr19-44909101-C-G. GRCh37 (hg19) VCF-style: chr19-45412358-C-G.
Other names: R251G; c.883C>G, p.Arg295Gly (NM_001302688.2); c.805C>G, p.Arg269Gly (NM_001302689.2, NM_001302690.2, NM_001302691.2); short protein forms R269G, R295G.
Identifiers: ClinVar variation 478884 (VCV000478884.41), dbSNP rs267606661, ClinGen allele CA041514.